The following is an entry in ClinVar:

NM_001278512.2(AP3B2):c.1855C>T (p.Arg619Trp)

Genes: AP3B2 (adaptor related protein complex 3 subunit beta 2; minus strand), CPEB1-AS1 (CPEB1 antisense RNA 1; plus strand). Cytogenetic location: 15q25.2.
Variant type: single nucleotide variant.
Coding change: c.1855C>T on transcript NM_001278512.2 (MANE Select); coding-DNA position 1855, C replaced by T.
Protein change: p.Arg619Trp; replaces arginine 619 with tryptophan.
Molecular consequence: missense variant.
Genome position (GRCh38, 1-based): chr15:82,665,573, G>A on the plus strand (C>T on the coding strand, the complement: AP3B2 is on the minus strand). VCF-style: chr15-82665573-G-A. GRCh37 (hg19) VCF-style: chr15-83334325-G-A.
Other names: c.1759C>T, p.Arg587Trp (NM_001278511.2); c.1855C>T, p.Arg619Trp (NM_004644.5); short protein forms R587W, R619W.
Identifiers: ClinVar variation 1421513 (VCV001421513.5), dbSNP rs2048043539, ClinGen allele CA393313267.

ClinVar aggregate classification (germline): Uncertain significance (1 of 4 stars; one submission).

Allele frequency attached by ClinVar (database versions not stated): TOPMed below 0.00001; gnomAD exomes 0.00001.
gnomAD v4.1: 10 of 1,611,818 alleles (0.00062%); highest among the groups gnomAD compares: East Asian, 0.0022%; no homozygotes.

Submission:

Labcorp Genetics (formerly Invitae), Labcorp
Classification: Uncertain significance. Last evaluated: 2021-08-28. Review status: criteria provided, single submitter. Criteria: Invitae Variant Classification Sherloc (09022015). Collection method: clinical testing. Allele origin: germline.
Comment: This sequence change replaces arginine with tryptophan at codon 619 of the AP3B2 protein (p.Arg619Trp). The arginine residue is moderately conserved and there is a moderate physicochemical difference between arginine and tryptophan. This variant is not present in population databases (ExAC no frequency). This variant has not been reported in the literature in individuals affected with AP3B2-related conditions. Algorithms developed to predict the effect of missense changes on protein structure and function are either unavailable or do not agree on the potential impact of this missense change (SIFT: "Deleterious"; PolyPhen-2: "Probably Damaging"; Align-GVGD: "Class C0"). In summary, the available evidence is currently insufficient to determine the role of this variant in disease. Therefore, it has been classified as a Variant of Uncertain Significance.